The following is an entry in ClinVar:

NM_023936.2(MRPS34):c.121T>C (p.Leu41=)

Genes: EME2 (essential meiotic structure-specific endonuclease subunit 2; plus strand), MRPS34 (mitochondrial ribosomal protein S34; minus strand). Cytogenetic location: 16p13.3.
Variant type: single nucleotide variant.
Coding change: c.121T>C on transcript NM_023936.2 (MANE Select); coding-DNA position 121, T replaced by C.
Protein change: p.Leu41=; no amino-acid change (leucine 41 retained).
Molecular consequence: synonymous variant. On other transcripts: 5 prime UTR variant (1).
Genome position (GRCh38, 1-based): chr16:1,772,999, A>G on the plus strand (T>C on the coding strand, the complement: MRPS34 is on the minus strand). VCF-style: chr16-1772999-A-G. GRCh37 (hg19) VCF-style: chr16-1823000-A-G.
Other names: c.-229A>G (NM_001257370.2); c.121T>C, p.Leu41= (NM_001300900.2).
Identifiers: ClinVar variation 2042832 (VCV002042832.6), dbSNP rs538094386, ClinGen allele CA7818431.

ClinVar aggregate classification (germline): Benign. Review status: criteria provided, single submitter (1 of 4 stars). 2 submissions from 2 submitters: Benign (1). 1 of the submissions does not count toward it. Last evaluated 2026-01-14.

Conditions:
MRPS34-related disorder. Also called: MRPS34-related condition.

Allele frequency attached by ClinVar (database versions not stated): gnomAD exomes 0.00007; 1000 Genomes Project 30x 0.00094; 1000 Genomes Project 0.00100; TOPMed 0.00116; gnomAD 0.00119.
gnomAD v4.1: 288 of 1,454,120 alleles (0.02%); highest among the groups gnomAD compares: African/African-American, 0.38%; no homozygotes.

Submissions (2):

Labcorp Genetics (formerly Invitae), Labcorp
Classification: Benign. Last evaluated: 2026-01-14. Review status: criteria provided, single submitter. Criteria: Invitae Variant Classification Sherloc (09022015). Collection method: clinical testing. Allele origin: germline.

PreventionGenetics, part of Exact Sciences
Classification: Likely benign for MRPS34-related condition. Last evaluated: 2019-10-16. Review status: no assertion criteria provided. Collection method: clinical testing. Allele origin: germline. Not counted in ClinVar's aggregate classification.
Comment: This variant is classified as likely benign based on ACMG/AMP sequence variant interpretation guidelines (Richards et al. 2015 PMID: 25741868, with internal and published modifications).